The following is an entry in ClinVar:

NM_138694.4(PKHD1):c.3125C>G (p.Ser1042Cys)

Gene: PKHD1 (PKHD1 ciliary IPT domain containing fibrocystin/polyductin; minus strand). Cytogenetic location: 6p12.2.
Variant type: single nucleotide variant.
Coding change: c.3125C>G on transcript NM_138694.4 (MANE Select); coding-DNA position 3125, C replaced by G.
Protein change: p.Ser1042Cys; replaces serine 1042 with cysteine.
Molecular consequence: missense variant.
Genome position (GRCh38, 1-based): chr6:52,035,694, G>C on the plus strand (C>G on the coding strand, the complement: PKHD1 is on the minus strand). VCF-style: chr6-52035694-G-C. GRCh37 (hg19) VCF-style: chr6-51900492-G-C.
Other names: c.3125C>G, p.Ser1042Cys (NM_170724.3); short protein forms S1042C.
Identifiers: ClinVar variation 4986973 (VCV004986973.1).

ClinVar aggregate classification (germline): Uncertain significance (1 of 4 stars; one submission).

Conditions:
PKHD1-related disorder. Also called: PKHD1-related condition.

gnomAD v4.1: 3 of 1,613,732 alleles (0.00019%); highest among the groups gnomAD compares: Admixed American, 0.0033%; no homozygotes.

Submission:

PreventionGenetics, part of Exact Sciences
Classification: Uncertain significance for PKHD1-related condition. Last evaluated: 2026-04-30. Review status: criteria provided, single submitter. Criteria: ACMG Guidelines, 2015. Collection method: clinical testing. Allele origin: germline.
Comment: The PKHD1 c.3125C>G variant is predicted to result in the amino acid substitution p.Ser1042Cys. To our knowledge, this variant has not been reported in the literature or in a large population database (gnomAD), indicating this variant is rare. At this time, the clinical significance of this variant is uncertain due to the absence of conclusive functional and genetic evidence.